The following is an entry in ClinVar:

ClinVar aggregate classification (germline): Uncertain significance (1 of 4 stars; one submission).

gnomAD v4.1: 2 of 1,565,126 alleles (0.00013%); highest among the groups gnomAD compares: Non-Finnish European, 0.00017%; no homozygotes.

Submission:

Ambry Genetics
Classification: Uncertain significance. Last evaluated: 2024-11-23. Review status: criteria provided, single submitter. Criteria: Ambry Variant Classification Scheme 2023. Collection method: clinical testing. Allele origin: germline.
Comment: The p.R20P variant (also known as c.59G>C), located in coding exon 1 of the SRP72 gene, results from a G to C substitution at nucleotide position 59. The arginine at codon 20 is replaced by proline, an amino acid with dissimilar properties. This amino acid position is conserved. In addition, this alteration is predicted to be deleterious by in silico analysis. Based on the available evidence, the clinical significance of this variant remains unclear.

NM_006947.4(SRP72):c.59G>C (p.Arg20Pro)

Gene: SRP72 (signal recognition particle 72; plus strand). Cytogenetic location: 4q12.
Variant type: single nucleotide variant.
Coding change: c.59G>C on transcript NM_006947.4 (MANE Select); coding-DNA position 59, G replaced by C.
Protein change: p.Arg20Pro; replaces arginine 20 with proline.
Molecular consequence: missense variant. On other transcripts: non-coding transcript variant (1).
Genome position (GRCh38, 1-based): chr4:56,467,694, G>C. VCF-style: chr4-56467694-G-C. GRCh37 (hg19) VCF-style: chr4-57333860-G-C.
Other names: c.59G>C, p.Arg20Pro (NM_001267722.2); short protein forms R20P.
Identifiers: ClinVar variation 3449402 (VCV003449402.1).